The following is an entry in ClinVar:

NM_000147.5(FUCA1):c.433T>C (p.Trp145Arg)

Genes: FUCA1 (alpha-L-fucosidase 1; minus strand), LOC126805661 (BRD4-independent group 4 enhancer GRCh37_chr1:24191742-24192941; plus strand). Cytogenetic location: 1p36.11.
Variant type: single nucleotide variant.
Coding change: c.433T>C on transcript NM_000147.5 (MANE Select); coding-DNA position 433, T replaced by C.
Protein change: p.Trp145Arg; replaces tryptophan 145 with arginine.
Molecular consequence: missense variant.
Genome position (GRCh38, 1-based): chr1:23,865,582, A>G on the plus strand (T>C on the coding strand, the complement: FUCA1 is on the minus strand). VCF-style: chr1-23865582-A-G. GRCh37 (hg19) VCF-style: chr1-24192072-A-G.
Other names: p.Trp145Arg; short protein forms W145R.
Identifiers: ClinVar variation 296890 (VCV000296890.66), dbSNP rs150062050, ClinGen allele CA686544.

ClinVar aggregate classification (germline): Conflicting classifications of pathogenicity. Review status: criteria provided, conflicting classifications (1 of 4 stars). 10 submissions from 10 submitters: Uncertain significance (3); Benign (1); Likely benign (3). 3 of the submissions do not count toward it. Last evaluated 2026-09-01.

Conditions:
Fucosidosis. Also called: ALPHA-L-FUCOSIDASE DEFICIENCY. Identifiers: Orphanet 349, MedGen C0016788, MONDO:0009254, OMIM 230000.
FUCA1-related disorder. Also called: FUCA1-related condition.
Intellectual disability. Also called: Intellectual functioning disability; Intellectual developmental disorder; intellectual disabilities. Identifiers: MedGen C3714756, MeSH D008607, MONDO:0001071, HP:0001249.

Allele frequency attached by ClinVar (database versions not stated): 1000 Genomes Project 0.00060; 1000 Genomes Project 30x 0.00062; ExAC 0.00101; gnomAD exomes 0.00110 and 0.00154; TOPMed 0.00123; gnomAD 0.00126 and 0.00127; ESP Exome Variant Server 0.00146.

Submissions (10):

CeGaT Center for Human Genetics Tuebingen
Classification: Likely benign. Last evaluated: 2026-09-01. Review status: criteria provided, single submitter. Criteria: CeGaT Center For Human Genetics Tuebingen Variant Classification Criteria Version 2. Collection method: clinical testing. Allele origin: germline. Affected: yes. Observed: 6 variant alleles.
Comment: FUCA1: BS2

Labcorp Genetics (formerly Invitae), Labcorp
Classification: Benign for Fucosidosis. Last evaluated: 2026-01-31. Review status: criteria provided, single submitter. Criteria: Invitae Variant Classification Sherloc (09022015). Collection method: clinical testing. Allele origin: germline.

GeneDx
Classification: Uncertain significance. Last evaluated: 2025-12-22. Review status: criteria provided, single submitter. Criteria: GeneDx Variant Classification Process June 2021. Collection method: clinical testing. Allele origin: germline. Affected: yes.
Comment: In silico analysis supports that this missense variant has a deleterious effect on protein structure/function; Has not been previously published as pathogenic or benign to our knowledge

Mayo Clinic Laboratories, Mayo Clinic
Classification: Likely benign. Last evaluated: 2025-04-15. Review status: criteria provided, single submitter. Criteria: ACMG Guidelines, 2015. Collection method: clinical testing. Allele origin: germline. Observed: 2 variant alleles.
Comment: BS1, BS2, PP3_moderate

Blueprint Genetics
Classification: Likely benign. Last evaluated: 2024-11-22. Review status: criteria provided, single submitter. Criteria: ACMG Guidelines, 2015. Collection method: clinical testing. Allele origin: germline.

Fulgent Genetics
Classification: Uncertain significance for Fucosidosis. Last evaluated: 2018-10-31. Review status: criteria provided, single submitter. Criteria: ACMG Guidelines, 2015. Collection method: clinical testing. Allele origin: unknown.

Illumina Laboratory Services, Illumina
Classification: Uncertain significance for Fucosidosis. Last evaluated: 2018-01-12. Review status: criteria provided, single submitter. Criteria: ICSL Variant Classification Criteria 13 December 2019. Collection method: clinical testing. Allele origin: germline.

PreventionGenetics, part of Exact Sciences
Classification: Likely benign for FUCA1-related condition. Last evaluated: 2022-03-28. Review status: no assertion criteria provided. Collection method: clinical testing. Allele origin: germline. Not counted in ClinVar's aggregate classification.
Comment: This variant is classified as likely benign based on ACMG/AMP sequence variant interpretation guidelines (Richards et al. 2015 PMID: 25741868, with internal and published modifications).

Centre de Biologie Pathologie Génétique, Centre Hospitalier Universitaire de Lille
Classification: Likely benign for Intellectual disability. Last evaluated: 2019-01-01. Review status: no assertion criteria provided. Collection method: clinical testing. Allele origin: inherited. Affected: yes. Not counted in ClinVar's aggregate classification.

Department of Pathology and Laboratory Medicine, Sinai Health System
Classification: Uncertain significance. Review status: no assertion criteria provided. Collection method: clinical testing. Allele origin: unknown. Affected: yes. Study: The Canadian Open Genetics Repository (COGR). Not counted in ClinVar's aggregate classification.
Comment: The FUCA1 p.Trp145Arg variant was not identified in the literature nor was it identified in Cosmic. The variant was identified in dbSNP (ID: rs150062050), ClinVar (classified as a VUS by Illumina Clinical Services, Invitae, and Fulgent Genetics for Fucosidosis), and LOVD 3.0. The variant was identified in control databases in 301 of 282896 chromosomes (2 homozygous) at a frequency of 0.001064 increasing the likelihood this could be a low frequency benign variant (Genome Aggregation Database Feb 27, 2017). The variant was observed in the following populations: European (non-Finnish) in 224 of 129196 chromosomes (freq: 0.001734), South Asian in 38 of 30616 chromosomes (freq: 0.001241), Other in 6 of 7226 chromosomes (freq: 0.00083), Latino in 19 of 35440 chromosomes (freq: 0.000536), African in 10 of 24970 chromosomes (freq: 0.000401), Ashkenazi Jewish in 2 of 10370 chromosomes (freq: 0.000193) and European (Finnish) in 2 of 25124 chromosomes (freq: 0.00008); it was not observed in the East Asian population. The p.Trp145 residue is conserved across mammals and other organisms, and four out of five computational analyses (PolyPhen-2, SIFT, BLOSUM, MutationTaster) suggest that the variant may impact the protein; however, this information is not predictive enough to assume pathogenicity. The variant occurs outside of the splicing consensus sequence and in silico or computational prediction software programs (SpliceSiteFinder, MaxEntScan, NNSPLICE, GeneSplicer) do not predict a difference in splicing. In summary, based on the above information the clinical significance of this variant cannot be determined with certainty at this time. This variant is classified as a variant of uncertain significance.